The following is an entry in ClinVar:

NM_000836.4(GRIN2D):c.2792C>G (p.Pro931Arg)

Gene: GRIN2D (glutamate ionotropic receptor NMDA type subunit 2D; plus strand). Cytogenetic location: 19q13.33.
Variant type: single nucleotide variant.
Coding change: c.2792C>G on transcript NM_000836.4 (MANE Select); coding-DNA position 2792, C replaced by G.
Protein change: p.Pro931Arg; replaces proline 931 with arginine.
Molecular consequence: missense variant.
Genome position (GRCh38, 1-based): chr19:48,442,718, C>G. VCF-style: chr19-48442718-C-G. GRCh37 (hg19) VCF-style: chr19-48945975-C-G.
Other names: short protein forms P931R.
Identifiers: ClinVar variation 2986894 (VCV002986894.3), dbSNP rs1245269005, ClinGen allele CA406673682.

ClinVar aggregate classification (germline): Uncertain significance (1 of 4 stars; one submission).

Allele frequency attached by ClinVar (database versions not stated): gnomAD exomes below 0.00001.
gnomAD v4.1: 2 of 1,129,410 alleles (0.00018%); highest among the groups gnomAD compares: African/African-American, 0.0033%; no homozygotes.

Submission:

Labcorp Genetics (formerly Invitae), Labcorp
Classification: Uncertain significance. Last evaluated: 2025-01-06. Review status: criteria provided, single submitter. Criteria: Invitae Variant Classification Sherloc (09022015). Collection method: clinical testing. Allele origin: germline.
Comment: This sequence change replaces proline, which is neutral and non-polar, with arginine, which is basic and polar, at codon 931 of the GRIN2D protein (p.Pro931Arg). This variant is present in population databases (no rsID available, gnomAD 0.01%). This variant has not been reported in the literature in individuals affected with GRIN2D-related conditions. ClinVar contains an entry for this variant (Variation ID: 2986894). Invitae Evidence Modeling of protein sequence and biophysical properties (such as structural, functional, and spatial information, amino acid conservation, physicochemical variation, residue mobility, and thermodynamic stability) indicates that this missense variant is not expected to disrupt GRIN2D protein function with a negative predictive value of 95%. In summary, the available evidence is currently insufficient to determine the role of this variant in disease. Therefore, it has been classified as a Variant of Uncertain Significance.